The following is an entry in ClinVar:

NM_182916.3(TRNT1):c.498_501del (p.Phe167fs)

Gene: TRNT1 (tRNA nucleotidyl transferase 1; plus strand). Cytogenetic location: 3p26.2.
Variant type: Deletion.
Coding change: c.498_501del on transcript NM_182916.3 (MANE Select); coding-DNA positions 498 to 501, 4 bases deleted (ATTT; older notation c.498_501delATTT).
Protein change: p.Phe167fs; shifts the reading frame from phenylalanine 167.
Molecular consequence: frameshift variant. On other transcripts: non-coding transcript variant (8).
Genome position (GRCh38, 1-based): chr3:3,144,600-3,144,603, ATTT deleted; deleting any 4 consecutive bases within chr3:3,144,597-3,144,603 gives the same sequence; the c. name uses the placement nearest the transcript's 3' end. VCF-style (leftmost placement, unchanged base first): chr3-3144596-CTTTA-C. GRCh37 (hg19) VCF-style: chr3-3186280-CTTTA-C.
Other names: p.Phe167Thrfs*9; c.498_501delATTT (NM_182916.2); c.498_501del, p.Phe167fs (NM_001302946.2, NM_001367321.1, NM_001367322.1 and 1 more transcripts); short protein forms F167fs.
Identifiers: ClinVar variation 1323716 (VCV001323716.17), dbSNP rs754883449, ClinGen allele CA2228699.
Genomic context (GRCh38, chr3:3,144,596, plus strand): 5'-TTCTTATTTGCCAATAGTGATTTTTCTCCCTCCTTTTCTAATGAATAGGTTTTGATGGCA[CTTTA>C]TTTGACTACTTTAATGGTTATGAAGATTTAAAAAATAAGAAAGTTAGATTTGTTGGACAT-3'

ClinVar aggregate classification (germline): Pathogenic/Likely pathogenic. Review status: criteria provided, multiple submitters, no conflicts (2 of 4 stars). 8 submissions from 8 submitters: Pathogenic (5); Likely pathogenic (2). 1 of the submissions does not count toward it. Last evaluated 2025-08-10.

Conditions:
TRNT1-related disorder. Also called: TRNT1-related condition; TRNT1-related disorders.
Congenital sideroblastic anemia-B-cell immunodeficiency-periodic fever-developmental delay syndrome. Also called: Sideroblastic anemia with B-cell immunodeficiency, periodic fevers, and developmental delay. Identifiers: Orphanet 369861, MedGen C4015172, MONDO:0014487, OMIM 616084.
Retinal dystrophy. Also called: Inherited retinal dystrophy. Identifiers: Orphanet 71862, MedGen C0854723, MeSH D058499, MONDO:0019118, HP:0000556.
Retinitis pigmentosa and erythrocytic microcytosis (RPEM). Identifiers: MedGen C4310776, MONDO:0014850, OMIM 616959.

Submissions (8):

Labcorp Genetics (formerly Invitae), Labcorp
Classification: Pathogenic for Congenital sideroblastic anemia-B-cell immunodeficiency-periodic fever-developmental delay syndrome. Last evaluated: 2025-08-10. Review status: criteria provided, single submitter. Criteria: Invitae Variant Classification Sherloc (09022015). Collection method: clinical testing. Allele origin: germline.
Comment: This sequence change creates a premature translational stop signal (p.Phe167Thrfs*9) in the TRNT1 gene. It is expected to result in an absent or disrupted protein product. Loss-of-function variants in TRNT1 are known to be pathogenic (PMID: 25193871). This variant is present in population databases (rs754883449, gnomAD 0.02%). This premature translational stop signal has been observed in individual(s) with clinical features of TRNT1 related conditions (PMID: 32592741). ClinVar contains an entry for this variant (Variation ID: 1323716). For these reasons, this variant has been classified as Pathogenic.

PreventionGenetics, part of Exact Sciences
Classification: Pathogenic for TRNT1-related condition. Last evaluated: 2025-07-11. Review status: criteria provided, single submitter. Criteria: ACMG Guidelines, 2015. Collection method: clinical testing. Allele origin: germline.
Comment: The TRNT1 c.498_501delATTT variant is predicted to result in a frameshift and premature protein termination (p.Phe167Thrfs*9). This variant has been reported in the compound heterozygous state in an individual with B cell immunodeficiency, periodic fever and developmental delay without sideroblastic anemia (Rigante et al. 2020. PubMed ID: 32592741). It has also been reported, along with another TRNT1 variant (phase unknown) in an individual with features of sideroblastic anemia, B-cell immunodeficiency, periodic fever, and developmental delay (SIFD) and neutrophilic dermatosis (Bardou et al. 2020. PubMed ID: 33332575). This variant is reported in 0.018% of alleles in individuals of East Asian descent in gnomAD. Frameshift variants in TRNT1 are expected to be pathogenic. This variant is interpreted as pathogenic.

Mayo Clinic Laboratories, Mayo Clinic
Classification: Pathogenic. Last evaluated: 2025-04-23. Review status: criteria provided, single submitter. Criteria: ACMG Guidelines, 2015. Collection method: clinical testing. Allele origin: germline. Observed: 1 variant allele.
Comment: PM2_supporting, PM3_supporting, PVS1

Blueprint Genetics
Classification: Likely pathogenic for TRNT1-related disorders. Last evaluated: 2024-03-19. Review status: criteria provided, single submitter. Criteria: ACMG Guidelines, 2015. Collection method: clinical testing. Allele origin: germline. Affected: yes. Observed: 5 variant alleles.

Institute of Human Genetics, Univ. Regensburg, Univ. Regensburg
Classification: Pathogenic for Retinal dystrophy. Last evaluated: 2023-01-01. Review status: criteria provided, single submitter. Criteria: ACMG Guidelines, 2015. Collection method: clinical testing. Allele origin: germline. Affected: yes.

Dasa
Classification: Likely pathogenic for Retinitis pigmentosa and erythrocytic microcytosis. Last evaluated: 2022-08-10. Review status: criteria provided, single submitter. Criteria: ACMG Guidelines, 2015. Collection method: clinical testing. Allele origin: germline. Observed: 1 variant allele.
Comment: The c.498_501delp.(Phe167Thrfs*9) is a null frameshift variant (NMD) in the TRNT1 gene and predicts alteration of the nonsense-mediate decay - NMD is present in a relevant exon to the transcript - PVS1.. The variant is present at low allele frequencies population databases (rs754883449 – gnomAD 0.0002631%; ABraOM 0.000427 frequency) -PM2_supporting. In summary, the currently available evidence indicates that the variant is likely pathogenic.

Revvity Omics, Revvity
Classification: Pathogenic. Last evaluated: 2019-10-18. Review status: criteria provided, single submitter. Criteria: ACMG Guidelines, 2015. Collection method: clinical testing. Allele origin: germline.

Zotz-Klimas Genetics Lab, MVZ Zotz Klimas
Classification: Likely pathogenic for Congenital sideroblastic anemia-B-cell immunodeficiency-periodic fever-developmental delay syndrome. Last evaluated: 2023-10-09. Review status: no assertion criteria provided. Collection method: clinical testing. Allele origin: germline. Affected: yes. Not counted in ClinVar's aggregate classification.

Literature cited by the submitters: PubMed 25193871 (cited by Labcorp Genetics (formerly Invitae), Labcorp); PubMed 32592741 (cited by 3 submitters); PubMed 33332575 (cited by Mayo Clinic Laboratories, Mayo Clinic); PubMed 3333257 (cited by Institute of Human Genetics, Univ. Regensburg, Univ. Regensburg).